The following is an entry in ClinVar:

NM_004667.6(HERC2):c.381C>T (p.Ala127=)

Gene: HERC2 (HECT and RLD domain containing E3 ubiquitin protein ligase 2; minus strand). Cytogenetic location: 15q13.1.
Variant type: single nucleotide variant.
Coding change: c.381C>T on transcript NM_004667.6 (MANE Select); coding-DNA position 381, C replaced by T.
Protein change: p.Ala127=; no amino-acid change (alanine 127 retained).
Molecular consequence: synonymous variant.
Genome position (GRCh38, 1-based): chr15:28,280,229, G>A on the plus strand (C>T on the coding strand, the complement: HERC2 is on the minus strand). VCF-style: chr15-28280229-G-A. GRCh37 (hg19) VCF-style: chr15-28525375-G-A.
Identifiers: ClinVar variation 4923777 (VCV004923777.2).

ClinVar aggregate classification (germline): Likely benign. Review status: criteria provided, multiple submitters, no conflicts (2 of 4 stars). 2 submissions from 2 submitters: Likely benign (2). Last evaluated 2026-07-01.

gnomAD v4.1: 45 of 1,613,962 alleles (0.0028%); highest among the groups gnomAD compares: South Asian, 0.0055%; no homozygotes.

Submissions (2):

CeGaT Center for Human Genetics Tuebingen
Classification: Likely benign. Last evaluated: 2026-07-01. Review status: criteria provided, single submitter. Criteria: CeGaT Center For Human Genetics Tuebingen Variant Classification Criteria Version 2. Collection method: clinical testing. Allele origin: germline. Affected: yes. Observed: 1 variant allele.
Comment: HERC2: BP4, BP7

Blueprint Genetics
Classification: Likely benign. Last evaluated: 2022-11-24. Review status: criteria provided, single submitter. Criteria: ACMG Guidelines, 2015. Collection method: clinical testing. Allele origin: germline.